The following is an entry in ClinVar:

NM_014140.4(SMARCAL1):c.221A>G (p.Gln74Arg)

Gene: SMARCAL1 (SNF2 related chromatin remodeling annealing helicase 1; plus strand). Cytogenetic location: 2q35.
Variant type: single nucleotide variant.
Coding change: c.221A>G on transcript NM_014140.4 (MANE Select); coding-DNA position 221, A replaced by G.
Protein change: p.Gln74Arg; replaces glutamine 74 with arginine.
Molecular consequence: missense variant.
Genome position (GRCh38, 1-based): chr2:216,414,925, A>G. VCF-style: chr2-216414925-A-G. GRCh37 (hg19) VCF-style: chr2-217279648-A-G.
Other names: c.221A>G, p.Gln74Arg (NM_001127207.2); short protein forms Q74R.
Identifiers: ClinVar variation 1040727 (VCV001040727.7), dbSNP rs1441502670, ClinGen allele CA350496810.
Genomic context (GRCh38, chr2:216,414,925, plus strand): 5'-CCCAAAATTTCCCAAGGGAGTCTTGTAAGCCAGTGAGCCATGGTGTCATTTTCAAGCAAC[A>G]GAATCTCAGTAGCTCATCTAATGCTGACCAAAGACCTCATGATTCCCACAGTTTTCAGGC-3'
Protein context (NP_054859.2, residues 64-84): PVSHGVIFKQ[Gln74Arg]NLSSSSNADQ

ClinVar aggregate classification (germline): Uncertain significance. Review status: criteria provided, multiple submitters, no conflicts (2 of 4 stars). 2 submissions from 2 submitters: Uncertain significance (2). Last evaluated 2024-01-02.

Conditions:
Schimke immuno-osseous dysplasia (SIOD). Also called: Schimke Immunoosseous Dysplasia. Identifiers: Orphanet 1830, MedGen C0877024, MONDO:0009458, OMIM 242900.

Allele frequency attached by ClinVar (database versions not stated): TOPMed below 0.00001; gnomAD 0.00001; gnomAD exomes 0.00002.
gnomAD v4.1: 30 of 1,614,104 alleles (0.0019%); highest among the groups gnomAD compares: Non-Finnish European, 0.0025%; no homozygotes.

Submissions (2):

Fulgent Genetics
Classification: Uncertain significance for Schimke immuno-osseous dysplasia. Last evaluated: 2024-01-02. Review status: criteria provided, single submitter. Criteria: ACMG Guidelines, 2015. Collection method: clinical testing. Allele origin: germline.

Labcorp Genetics (formerly Invitae), Labcorp
Classification: Uncertain significance for Schimke immuno-osseous dysplasia. Last evaluated: 2021-09-01. Review status: criteria provided, single submitter. Criteria: Invitae Variant Classification Sherloc (09022015). Collection method: clinical testing. Allele origin: germline.
Comment: This sequence change replaces glutamine with arginine at codon 74 of the SMARCAL1 protein (p.Gln74Arg). The glutamine residue is weakly conserved and there is a small physicochemical difference between glutamine and arginine. This variant is not present in population databases (ExAC no frequency). This variant has not been reported in the literature in individuals affected with SMARCAL1-related conditions. Algorithms developed to predict the effect of missense changes on protein structure and function (SIFT, PolyPhen-2, Align-GVGD) all suggest that this variant is likely to be tolerated. In summary, the available evidence is currently insufficient to determine the role of this variant in disease. Therefore, it has been classified as a Variant of Uncertain Significance.